The following is an entry in ClinVar:

NM_024334.3(TMEM43):c.887T>C (p.Val296Ala)

Gene: TMEM43 (transmembrane protein 43; plus strand). Cytogenetic location: 3p25.1.
Variant type: single nucleotide variant.
Coding change: c.887T>C on transcript NM_024334.3 (MANE Select); coding-DNA position 887, T replaced by C.
Protein change: p.Val296Ala; replaces valine 296 with alanine.
Molecular consequence: missense variant.
Genome position (GRCh38, 1-based): chr3:14,139,184, T>C. VCF-style: chr3-14139184-T-C. GRCh37 (hg19) VCF-style: chr3-14180684-T-C.
Other names: c.890T>C, p.Val297Ala (NM_001407274.1); c.884T>C, p.Val295Ala (NM_001407275.1, NM_001407276.1); c.881T>C, p.Val294Ala (NM_001407277.1); c.872T>C, p.Val291Ala (NM_001407278.1); c.812T>C, p.Val271Ala (NM_001407279.1); c.737T>C, p.Val246Ala (NM_001407280.1); short protein forms V295A, V271A, V296A, V297A, V291A, V246A, V294A.
Identifiers: ClinVar variation 3024039 (VCV003024039.3), dbSNP rs2470196597, ClinGen allele CA351536085.

ClinVar aggregate classification (germline): Uncertain significance (1 of 4 stars; one submission).

Conditions:
Arrhythmogenic right ventricular dysplasia 5. Also called: Arrhythmogenic Right Ventricular Dysplasia/Cardiomyopathy 5; ARRHYTHMOGENIC RIGHT VENTRICULAR DYSPLASIA, FAMILIAL, 5. Identifiers: MedGen C1858379, MONDO:0011459, OMIM 604400.

Submission:

Labcorp Genetics (formerly Invitae), Labcorp
Classification: Uncertain significance for Arrhythmogenic right ventricular dysplasia 5. Last evaluated: 2024-01-15. Review status: criteria provided, single submitter. Criteria: Invitae Variant Classification Sherloc (09022015). Collection method: clinical testing. Allele origin: germline.
Comment: This sequence change replaces valine, which is neutral and non-polar, with alanine, which is neutral and non-polar, at codon 296 of the TMEM43 protein (p.Val296Ala). This variant is not present in population databases (gnomAD no frequency). This variant has not been reported in the literature in individuals affected with TMEM43-related conditions. Advanced modeling of protein sequence and biophysical properties (such as structural, functional, and spatial information, amino acid conservation, physicochemical variation, residue mobility, and thermodynamic stability) performed at Invitae indicates that this missense variant is not expected to disrupt TMEM43 protein function with a negative predictive value of 80%. In summary, the available evidence is currently insufficient to determine the role of this variant in disease. Therefore, it has been classified as a Variant of Uncertain Significance.